The following is an entry in ClinVar:

NM_020158.4(EXOSC5):c.225A>G (p.Thr75=)

Gene: EXOSC5 (exosome component 5; minus strand). Cytogenetic location: 19q13.2.
Variant type: single nucleotide variant.
Coding change: c.225A>G on transcript NM_020158.4 (MANE Select); coding-DNA position 225, A replaced by G.
Protein change: p.Thr75=; no amino-acid change (threonine 75 retained).
Molecular consequence: synonymous variant.
Genome position (GRCh38, 1-based): chr19:41,392,904, T>C on the plus strand (A>G on the coding strand, the complement: EXOSC5 is on the minus strand). VCF-style: chr19-41392904-T-C. GRCh37 (hg19) VCF-style: chr19-41898809-T-C.
Identifiers: ClinVar variation 2649925 (VCV002649925.24), dbSNP rs143874550, ClinGen allele CA9460868.
Genomic context (GRCh38, chr19:41,392,904, plus strand): 5'-GAGGTTCAGCAGGGCCCAATTACCAGGCAGCCCAATCTTCGGCCTCAGGATCACTTCGAG[T>C]GTGGCCTTGTTGAAAATCTCTTTGCTGACCTTCACCTCGGCCGGCCCGTACACACCCGCC-3'
Protein context (NP_064543.3, residues 65-85): KVSKEIFNKA[Thr75=]LEVILRPKIG

ClinVar aggregate classification (germline): Likely benign (1 of 4 stars; one submission).

Allele frequency attached by ClinVar (database versions not stated): gnomAD exomes 0.00009; ExAC 0.00030; ESP Exome Variant Server 0.00077; 1000 Genomes Project 30x 0.00094; 1000 Genomes Project 0.00100; gnomAD 0.00107; TOPMed 0.00125.
gnomAD v4.1: 303 of 1,613,846 alleles (0.019%); highest among the groups gnomAD compares: African/African-American, 0.35%; 1 homozygote.

Submission:

CeGaT Center for Human Genetics Tuebingen
Classification: Likely benign. Last evaluated: 2023-01-01. Review status: criteria provided, single submitter. Criteria: CeGaT Center For Human Genetics Tuebingen Variant Classification Criteria Version 2. Collection method: clinical testing. Allele origin: germline. Affected: yes. Observed: 1 variant allele.
Comment: EXOSC5: BP4, BP7